The following is an entry in ClinVar:

ClinVar aggregate classification (germline): Benign/Likely benign. Review status: criteria provided, multiple submitters, no conflicts (2 of 4 stars). 7 submissions from 7 submitters: Benign (3); Likely benign (2). 2 of the submissions do not count toward it. Last evaluated 2026-02-02.

Conditions:
PCDH15-related disorder. Also called: PCDH15-related condition; PCDH15-related disorders.
Usher syndrome type 1F (USH1F). Also called: USHER SYNDROME, TYPE IF. Identifiers: Orphanet 231169, Orphanet 886, MedGen C1865885, MONDO:0011186, OMIM 602083.

Submissions (7):

Labcorp Genetics (formerly Invitae), Labcorp
Classification: Benign. Last evaluated: 2026-02-02. Review status: criteria provided, single submitter. Criteria: Invitae Variant Classification Sherloc (09022015). Collection method: clinical testing. Allele origin: germline.

Blueprint Genetics
Classification: Likely benign. Last evaluated: 2022-11-23. Review status: criteria provided, single submitter. Criteria: ACMG Guidelines, 2015. Collection method: clinical testing. Allele origin: germline.

GeneDx
Classification: Likely benign. Last evaluated: 2022-06-29. Review status: criteria provided, single submitter. Criteria: GeneDx Variant Classification Process June 2021. Collection method: clinical testing. Allele origin: germline. Affected: yes.
Comment: See Variant Classification Assertion Criteria.

Laboratory for Molecular Medicine, Mass General Brigham Personalized Medicine
Classification: Benign. Last evaluated: 2015-06-25. Review status: criteria provided, single submitter. Criteria: LMM Criteria. Collection method: clinical testing. Allele origin: germline. Observed: 1 variant allele.
Comment: c.4368-13_4368-10dupCTTT in intron 32 of PCDH15: This variant is not expected to have clinical significance because it has been identified in 1.2% (138/11476) o f Latino chromosomes by the Exome Aggregation Consortium (ExAC; dbSNP rs530804327).

Eurofins Ntd Llc (ga)
Classification: Benign. Last evaluated: 2015-02-19. Review status: criteria provided, single submitter. Criteria: EGL Classification Definitions. Collection method: clinical testing. Allele origin: germline. Observed: 1 variant allele, 1 heterozygote.

PreventionGenetics, part of Exact Sciences
Classification: Benign for PCDH15-related condition. Last evaluated: 2020-10-06. Review status: no assertion criteria provided. Collection method: clinical testing. Allele origin: germline. Not counted in ClinVar's aggregate classification.
Comment: This variant is classified as benign based on ACMG/AMP sequence variant interpretation guidelines (Richards et al. 2015 PMID: 25741868, with internal and published modifications).

Natera, Inc.
Classification: Benign for Usher syndrome type 1F. Last evaluated: 2020-09-16. Review status: no assertion criteria provided. Collection method: clinical testing. Allele origin: germline. Not counted in ClinVar's aggregate classification.

NM_033056.3(PCDH15):c.4368-13_4368-10dup

Gene: PCDH15 (protocadherin related 15; minus strand). Cytogenetic location: 10q21.1.
Variant type: Duplication.
Coding change: c.4368-13_4368-10dup on transcript NM_033056.3; 13 bases into the intron before coding-DNA position 4368 through 10 bases into the intron before coding-DNA position 4368, 4 bases duplicated (CTTT; older notation c.4368-13_4368-10dupCTTT).
Molecular consequence: intron variant (on NM_001384140.1).
Genome position (GRCh38, 1-based): chr10:53,823,368-53,823,371, AAAG duplicated on the plus strand (CTTT on the coding strand, the reverse complement: PCDH15 is on the minus strand); duplicating any 4 consecutive bases within chr10:53,823,368-53,823,373 gives the same sequence; the c. name uses the placement nearest the transcript's 3' end. VCF-style (leftmost placement, unchanged base first): chr10-53823367-A-AAAAG. GRCh37 (hg19) VCF-style: chr10-55583127-A-AAAAG.
Other names: c.4368-13_4368-10dupCTTT (NM_033056.3, NM_033056.4); c.4367+4022_4367+4025dup (NM_001354420.2, NM_001354429.2); c.4368-3141_4368-3138dup (NM_001384140.1); c.4373+1765_4373+1768dup (NM_001142772.2, NM_001142770.3); c.4388+1765_4388+1768dup (NM_001142771.2); c.4388+4022_4388+4025dup (NM_001354411.2); c.4409+1765_4409+1768dup (NM_001142769.3); c.4302-13_4302-10dup (NM_001354404.2); and 8 more.
Identifiers: ClinVar variation 227008 (VCV000227008.26), dbSNP rs530804327, ClinGen allele CA202620.
Genomic context (GRCh38, chr10:53,823,367, plus strand): 5'-TGAGACTGAGTTATTTCCCCTGCTTTGTTGAAAATGGTAGAGAAGGAAAAGACTTGAAAG[A>AAAAG]AAAGAAGATAATGAAATGTAAGGAAACAAGTTGTGACACAGCTTTCATGAGAAAGATGTT-3'